The following is an entry in ClinVar:

ClinVar aggregate classification (germline): Likely pathogenic (1 of 4 stars; one submission).

Conditions:
Mucopolysaccharidosis, MPS-IV-A (MPS4A). Also called: Mucopolysaccharidosis type IV A; Mucopolysaccharidosis Type IVA; Morquio syndrome A, mild; MORQUIO SYNDROME A; MPS IVA; mucopolysaccharidosis type 4A. Identifiers: Orphanet 309297, Orphanet 582, MedGen C0086651, MONDO:0009659, OMIM 253000.

Submission:

Laboratory of Diagnosis and Therapy of Lysosomal Disorders, University of Padova
Classification: Likely pathogenic for Mucopolysaccharidosis, MPS-IV-A. Last evaluated: 2021-02-01. Review status: criteria provided, single submitter. Criteria: ACMG Guidelines, 2015. Collection method: research. Allele origin: germline. Affected: yes.
Comment: Single exon deletion(PVS1_very strong); absent from gnomAD v2.1.1 (PM2_moderate)

Literature cited by the submitters: PubMed 34387910.

NM_000512.5:c.(1242+1_1243-1)_(1364+1_1365-1)del

Gene: GALNS (galactosamine (N-acetyl)-6-sulfatase; minus strand).
Variant type: Deletion.
Other names: c.(1242+1_1243-1)_(1364+1_1365-1)del (NM_000512.5).
Identifiers: ClinVar variation 1048351 (VCV001048351.3).